The following is an entry in ClinVar:

ClinVar aggregate classification (germline): Conflicting classifications of pathogenicity. Review status: criteria provided, conflicting classifications (1 of 4 stars). 4 submissions from 4 submitters: Uncertain significance (1); Benign (1); Likely benign (2). Last evaluated 2026-01-28.

Conditions:
COG5-congenital disorder of glycosylation. Also called: CDG IIi; CONGENITAL DISORDER OF GLYCOSYLATION, TYPE IIi; COG5-CDG. Identifiers: Orphanet 263487, MedGen C3150876, MONDO:0013325, OMIM 613612.

Allele frequency attached by ClinVar (database versions not stated): TOPMed 0.00091; 1000 Genomes Project 30x 0.00109; 1000 Genomes Project 0.00120; gnomAD 0.00127 and 0.00135; gnomAD exomes 0.00144 and 0.00156; ExAC 0.00166; ESP Exome Variant Server 0.00169.
gnomAD v4.1: 2,441 of 1,613,386 alleles (0.15%); highest among the groups gnomAD compares: Non-Finnish European, 0.17%; 6 homozygotes.

Submissions (6):

Labcorp Genetics (formerly Invitae), Labcorp
Classification: Benign for COG5-congenital disorder of glycosylation. Last evaluated: 2026-01-28. Review status: criteria provided, single submitter. Criteria: Invitae Variant Classification Sherloc (09022015). Collection method: clinical testing. Allele origin: germline.

Blueprint Genetics
Classification: Likely benign. Last evaluated: 2024-11-27. Review status: criteria provided, single submitter. Criteria: ACMG Guidelines, 2015. Collection method: clinical testing. Allele origin: germline.

Illumina Laboratory Services, Illumina
Classification: Uncertain significance for COG5-congenital disorder of glycosylation. Last evaluated: 2018-01-12. Review status: criteria provided, single submitter. Criteria: ICSL Variant Classification Criteria 13 December 2019. Collection method: clinical testing. Allele origin: germline.

GeneDx
Classification: Likely benign. Last evaluated: 2017-09-06. Review status: criteria provided, single submitter. Criteria: GeneDx Variant Classification (06012015). Collection method: clinical testing. Allele origin: germline. Affected: yes.
Comment: This variant is considered likely benign or benign based on one or more of the following criteria: it is a conservative change, it occurs at a poorly conserved position in the protein, it is predicted to be benign by multiple in silico algorithms, and/or has population frequency not consistent with disease.

Dr. Peter K. Rogan Lab, Western University
No classification provided (evidence only). Condition: Uterine corpus endometrial carcinoma. Review status: no classification provided. Collection method: in vitro. Allele origin: not applicable. Functional consequence: retained intron. Not counted in ClinVar's aggregate classification.

Dr. Peter K. Rogan Lab, Western University
No classification provided (evidence only). Condition: Uterine corpus endometrial carcinoma. Review status: no classification provided. Collection method: in vitro. Allele origin: not applicable. Functional consequence: retained intron. Not counted in ClinVar's aggregate classification.

NM_006348.5(COG5):c.2124A>G (p.Arg708=)

Gene: COG5 (component of oligomeric golgi complex 5; minus strand). Cytogenetic location: 7q22.3.
Variant type: single nucleotide variant.
Coding change: c.2124A>G on transcript NM_006348.5 (MANE Select); coding-DNA position 2124, A replaced by G.
Protein change: p.Arg708=; no amino-acid change (arginine 708 retained).
Molecular consequence: synonymous variant. On other transcripts: intron variant (1).
Genome position (GRCh38, 1-based): chr7:107,230,659, T>C on the plus strand (A>G on the coding strand, the complement: COG5 is on the minus strand). VCF-style: chr7-107230659-T-C. GRCh37 (hg19) VCF-style: chr7-106871104-T-C.
Other names: c.2124A>G, p.Arg708= (NM_001161520.2, NM_001379513.1); c.1962A>G, p.Arg654= (NM_001379511.1); c.1950A>G, p.Arg650= (NM_001379512.1); c.1554A>G, p.Arg518= (NM_001379515.1); c.1410A>G, p.Arg470= (NM_001379516.1); c.2061A>G, p.Arg687= (NM_181733.4); c.1853+17737A>G (NM_001379514.1).
Identifiers: ClinVar variation 392393 (VCV000392393.20), dbSNP rs148020994, ClinGen allele CA4430684.